The following is an entry in ClinVar:

NM_004341.5(CAD):c.996-13A>G

Gene: CAD (carbamoyl-phosphate synthetase 2, aspartate transcarbamylase, and dihydroorotase; plus strand). Cytogenetic location: 2p23.3.
Variant type: single nucleotide variant.
Coding change: c.996-13A>G on transcript NM_004341.5 (MANE Select); 13 bases into the intron before coding-DNA position 996, A replaced by G.
Molecular consequence: intron variant.
Genome position (GRCh38, 1-based): chr2:27,223,904, A>G. VCF-style: chr2-27223904-A-G. GRCh37 (hg19) VCF-style: chr2-27446772-A-G.
Other names: c.996-13A>G (NM_001306079.2).
Identifiers: ClinVar variation 1373444 (VCV001373444.7), dbSNP rs199782966, ClinGen allele CA1572587.

ClinVar aggregate classification (germline): Uncertain significance. Review status: criteria provided, multiple submitters, no conflicts (2 of 4 stars). 2 submissions from 2 submitters: Uncertain significance (2). Last evaluated 2025-07-16.

Conditions:
Developmental and epileptic encephalopathy, 50 (DEE50). Also called: Epileptic encephalopathy, early infantile, 50. Identifiers: Orphanet 448010, MedGen C4225320, MONDO:0014647, OMIM 616457.

Allele frequency attached by ClinVar (database versions not stated): gnomAD 0.00001; TOPMed 0.00001.
gnomAD v4.1: 15 of 1,599,868 alleles (0.00094%); highest among the groups gnomAD compares: Middle Eastern, 0.017%; no homozygotes.

Submissions (2):

Laboratorio de Genetica e Diagnostico Molecular, Hospital Israelita Albert Einstein
Classification: Uncertain significance for Developmental and epileptic encephalopathy, 50. Last evaluated: 2025-07-16. Review status: criteria provided, single submitter. Criteria: ACMG Guidelines, 2015. Collection method: clinical testing. Allele origin: germline. Affected: yes.
Comment: ACMG classification criteria: PM2 supporting, PP3 supporting

Labcorp Genetics (formerly Invitae), Labcorp
Classification: Uncertain significance. Last evaluated: 2024-01-24. Review status: criteria provided, single submitter. Criteria: Invitae Variant Classification Sherloc (09022015). Collection method: clinical testing. Allele origin: germline.
Comment: This sequence change falls in intron 7 of the CAD gene. It does not directly change the encoded amino acid sequence of the CAD protein. This variant is present in population databases (rs199782966, gnomAD 0.002%). This variant has not been reported in the literature in individuals affected with CAD-related conditions. ClinVar contains an entry for this variant (Variation ID: 1373444). Algorithms developed to predict the effect of sequence changes on RNA splicing suggest that this variant may disrupt the consensus splice site. In summary, the available evidence is currently insufficient to determine the role of this variant in disease. Therefore, it has been classified as a Variant of Uncertain Significance.